The following is an entry in ClinVar:

ClinVar aggregate classification (germline): Uncertain significance. Review status: criteria provided, multiple submitters, no conflicts (2 of 4 stars). 2 submissions from 2 submitters: Uncertain significance (2). Last evaluated 2025-06-10.

Conditions:
Primary ciliary dyskinesia. Also called: Ciliary dyskinesia. Identifiers: Orphanet 244, MedGen C0008780, MONDO:0016575, HP:0012265.

Allele frequency attached by ClinVar (database versions not stated): ExAC 0.00001; gnomAD exomes 0.00001; gnomAD 0.00003 and 0.00004; TOPMed 0.00003; ESP Exome Variant Server 0.00008.

Submissions (2):

Ambry Genetics
Classification: Uncertain significance for Primary ciliary dyskinesia. Last evaluated: 2025-06-10. Review status: criteria provided, single submitter. Criteria: Ambry Variant Classification Scheme 2023. Collection method: clinical testing. Allele origin: germline.

Labcorp Genetics (formerly Invitae), Labcorp
Classification: Uncertain significance for Primary ciliary dyskinesia. Last evaluated: 2019-04-27. Review status: criteria provided, single submitter. Criteria: Invitae Variant Classification Sherloc (09022015). Collection method: clinical testing. Allele origin: germline.
Comment: In summary, the available evidence is currently insufficient to determine the role of this variant in disease. Therefore, it has been classified as a Variant of Uncertain Significance. Algorithms developed to predict the effect of missense changes on protein structure and function are either unavailable or do not agree on the potential impact of this missense change (SIFT: "Deleterious"; PolyPhen-2: "Benign"; Align-GVGD: "Class C0"). This variant has not been reported in the literature in individuals with DNAAF2-related conditions. This variant is present in population databases (rs372054376, ExAC 0.002%). This sequence change replaces alanine with glutamic acid at codon 481 of the DNAAF2 protein (p.Ala481Glu). The alanine residue is weakly conserved and there is a moderate physicochemical difference between alanine and glutamic acid.

NM_018139.3(DNAAF2):c.1442C>A (p.Ala481Glu)

Gene: DNAAF2 (dynein axonemal assembly factor 2; minus strand). Cytogenetic location: 14q21.3.
Variant type: single nucleotide variant.
Coding change: c.1442C>A on transcript NM_018139.3 (MANE Select); coding-DNA position 1442, C replaced by A.
Protein change: p.Ala481Glu; replaces alanine 481 with glutamic acid.
Molecular consequence: missense variant. On other transcripts: 5 prime UTR variant (1).
Genome position (GRCh38, 1-based): chr14:49,633,708, G>T on the plus strand (C>A on the coding strand, the complement: DNAAF2 is on the minus strand). VCF-style: chr14-49633708-G-T. GRCh37 (hg19) VCF-style: chr14-50100426-G-T.
Other names: c.1442C>A, p.Ala481Glu (NM_001083908.2); c.-430C>A (NM_001378453.1); short protein forms A481E.
Identifiers: ClinVar variation 949401 (VCV000949401.19), dbSNP rs372054376, ClinGen allele CA7172913.